The following is an entry in ClinVar:

NM_001754.5(RUNX1):c.805+9C>G

Gene: RUNX1 (RUNX family transcription factor 1; minus strand). Cytogenetic location: 21q22.12.
Variant type: single nucleotide variant.
Coding change: c.805+9C>G on transcript NM_001754.5 (MANE Select); 9 bases into the intron after coding-DNA position 805, C replaced by G.
Molecular consequence: intron variant.
Genome position (GRCh38, 1-based): chr21:34,834,401, G>C on the plus strand (C>G on the coding strand, the complement: RUNX1 is on the minus strand). VCF-style: chr21-34834401-G-C. GRCh37 (hg19) VCF-style: chr21-36206698-G-C.
Other names: c.724+9C>G (NM_001001890.3, NM_001122607.2).
Identifiers: ClinVar variation 1580855 (VCV001580855.11), dbSNP rs2146074316, ClinGen allele CA2573157344.

ClinVar aggregate classification (germline): Likely benign. Review status: reviewed by expert panel (3 of 4 stars). 2 submissions from 2 submitters: Likely benign (1). 1 of the submissions does not count toward it. Last evaluated 2026-04-29.

Conditions:
Hereditary thrombocytopenia and hematologic cancer predisposition syndrome. Identifiers: Orphanet 71290, MedGen CN281654, MONDO:0011071.
Hereditary thrombocytopenia and hematological cancer predisposition syndrome associated with RUNX1. Also called: RUNX1 Familial Platelet Disorder with Associated Myeloid Malignancies; Familial Platelet Disorder with Propensity to Acute Myelogenous Leukemia; Familial thrombocytopenia with propensity to acute myelogenous leukemia; PLATELET DISORDER, ASPIRIN-LIKE. Identifiers: Orphanet 71290, MedGen C1832388, MeSH C563324, MONDO:0100083, OMIM 601399.

Submissions (2):

ClinGen Myeloid Malignancy Variant Curation Expert Panel
Classification: Likely benign for Hereditary thrombocytopenia and hematologic cancer predisposition syndrome. Last evaluated: 2026-04-29. Review status: reviewed by expert panel. Criteria: ClinGen MyeloMalig ACMG Specifications V3.1. Collection method: curation. Allele origin: germline. Inheritance: Autosomal dominant inheritance.
Comment: NM_001754.5(RUNX1):c.805+9C>G is an intronic variant which has a SpliceAI score≤ 0.20 (0.01) (BP4, BP7). This variant is completely absent from all population databases with at least 20x coverage for RUNX1 (PM2_supporting). In summary, this variant meets criteria to be classified as likely benign. ACMG/AMP criteria applied, as specified by the Myeloid Malignancy Variant Curation Expert Panel for RUNX1: BP4, BP7, PM2_supporting.

Labcorp Genetics (formerly Invitae), Labcorp
Classification: Likely benign for Hereditary thrombocytopenia and hematological cancer predisposition syndrome associated with RUNX1. Last evaluated: 2021-10-01. Review status: criteria provided, single submitter. Criteria: Invitae Variant Classification Sherloc (09022015). Collection method: clinical testing. Allele origin: germline. Not counted in ClinVar's aggregate classification.